The following is an entry in ClinVar:

ClinVar aggregate classification (germline): Benign/Likely benign. Review status: criteria provided, multiple submitters, no conflicts (2 of 4 stars). 2 submissions from 2 submitters: Benign (1); Likely benign (1). Last evaluated 2025-12-01.

Conditions:
Myofibrillar myopathy 4. Also called: Zaspopathy (type). Identifiers: Orphanet 98912, MedGen C4721886, MONDO:0012277, OMIM 609452.

Allele frequency attached by ClinVar (database versions not stated): gnomAD exomes 0.00001; ExAC 0.00002; gnomAD 0.00002; TOPMed 0.00003.
gnomAD v4.1: 82 of 1,613,654 alleles (0.0051%); highest among the groups gnomAD compares: Non-Finnish European, 0.0068%; no homozygotes.

Submissions (2):

Labcorp Genetics (formerly Invitae), Labcorp
Classification: Likely benign for Myofibrillar myopathy 4. Last evaluated: 2025-12-01. Review status: criteria provided, single submitter. Criteria: Invitae Variant Classification Sherloc (09022015). Collection method: clinical testing. Allele origin: germline.

GeneDx
Classification: Benign. Last evaluated: 2014-08-05. Review status: criteria provided, single submitter. Criteria: GeneDx Variant Classification (06012015). Collection method: clinical testing. Allele origin: germline. Affected: yes.
Comment: This variant is considered likely benign or benign based on one or more of the following criteria: it is a conservative change, it occurs at a poorly conserved position in the protein, it is predicted to be benign by multiple in silico algorithms, and/or has population frequency not consistent with disease.

NM_007078.3(LDB3):c.859+14C>G

Gene: LDB3 (LIM domain binding 3; plus strand). Cytogenetic location: 10q23.2.
Variant type: single nucleotide variant.
Coding change: c.859+14C>G on transcript NM_007078.3 (MANE Select); 14 bases into the intron after coding-DNA position 859, C replaced by G.
Molecular consequence: intron variant.
Genome position (GRCh38, 1-based): chr10:86,692,079, C>G. VCF-style: chr10-86692079-C-G. GRCh37 (hg19) VCF-style: chr10-88451836-C-G.
Other names: c.859+14C>G (NM_001368064.1, NM_001368063.1, NM_001368065.1 and 1 more transcripts); c.718+14C>G (NM_001368068.1, NM_001368066.1, NM_001080114.2 and 2 more transcripts); c.1063+14C>G (NM_001171610.2, NM_001171611.2).
Identifiers: ClinVar variation 201840 (VCV000201840.9), dbSNP rs748281629, ClinGen allele CA308606.